The following is an entry in ClinVar:

ClinVar aggregate classification (germline): Benign. Review status: criteria provided, single submitter (1 of 4 stars). 2 submissions from 2 submitters: Benign (1). 1 of the submissions does not count toward it. Last evaluated 2025-12-25.

Conditions:
SIN3A-related disorder. Also called: SIN3A-related condition.

Allele frequency attached by ClinVar (database versions not stated): TOPMed 0.00200; 1000 Genomes Project 0.00260; ESP Exome Variant Server 0.00277; 1000 Genomes Project 30x 0.00297.
gnomAD v4.1: 622 of 1,601,626 alleles (0.039%); highest among the groups gnomAD compares: African/African-American, 0.75%; no homozygotes.

Submissions (2):

Labcorp Genetics (formerly Invitae), Labcorp
Classification: Benign. Last evaluated: 2025-12-25. Review status: criteria provided, single submitter. Criteria: Invitae Variant Classification Sherloc (09022015). Collection method: clinical testing. Allele origin: germline.

PreventionGenetics, part of Exact Sciences
Classification: Benign for SIN3A-related condition. Last evaluated: 2019-05-20. Review status: no assertion criteria provided. Collection method: clinical testing. Allele origin: germline. Not counted in ClinVar's aggregate classification.
Comment: This variant is classified as benign based on ACMG/AMP sequence variant interpretation guidelines (Richards et al. 2015 PMID: 25741868, with internal and published modifications).

NM_001145358.2(SIN3A):c.2277+7G>T

Gene: SIN3A (SIN3 transcription regulator family member A; minus strand). Cytogenetic location: 15q24.2.
Variant type: single nucleotide variant.
Coding change: c.2277+7G>T on transcript NM_001145358.2 (MANE Select); 7 bases into the intron after coding-DNA position 2277, G replaced by T.
Molecular consequence: intron variant.
Genome position (GRCh38, 1-based): chr15:75,394,673, C>A on the plus strand (G>T on the coding strand, the complement: SIN3A is on the minus strand). VCF-style: chr15-75394673-C-A. GRCh37 (hg19) VCF-style: chr15-75687014-C-A.
Other names: c.2277+7G>T (NM_001145357.2, NM_015477.3).
Identifiers: ClinVar variation 727846 (VCV000727846.10), dbSNP rs142160246, ClinGen allele CA7667489.
Genomic context (GRCh38, chr15:75,394,673, plus strand): 5'-CCAGAAATCAAAGCTGTGCTAAATATAGACTAGAGTCCTCTCACAGATGCAGAAACCCCC[C>A]GCTCACCTCATCATAGATACTCTCAATCTCATTGAGTAAGCTCTTAGACCTCAGGACCTT-3'